The following is an entry in ClinVar:

NM_006182.4(DDR2):c.2189G>A (p.Gly730Glu)

Gene: DDR2 (discoidin domain receptor tyrosine kinase 2; plus strand). Cytogenetic location: 1q23.3.
Variant type: single nucleotide variant.
Coding change: c.2189G>A on transcript NM_006182.4 (MANE Select); coding-DNA position 2189, G replaced by A.
Protein change: p.Gly730Glu; replaces glycine 730 with glutamic acid.
Molecular consequence: missense variant.
Genome position (GRCh38, 1-based): chr1:162,776,276, G>A. VCF-style: chr1-162776276-G-A. GRCh37 (hg19) VCF-style: chr1-162746066-G-A.
Other names: c.2189G>A, p.Gly730Glu (NM_001014796.3, NM_001354982.2, NM_001354983.2); short protein forms G730E.
Identifiers: ClinVar variation 1306953 (VCV001306953.2), dbSNP rs2102199321, ClinGen allele CA343415885.

ClinVar aggregate classification (germline): Uncertain significance (1 of 4 stars; one submission).

Submission:

GeneDx
Classification: Uncertain significance. Last evaluated: 2019-07-15. Review status: criteria provided, single submitter. Criteria: GeneDx Variant Classification Process June 2021. Collection method: clinical testing. Allele origin: germline. Affected: yes.
Comment: Not observed in large population cohorts (Lek et al., 2016); In silico analysis, which includes protein predictors and evolutionary conservation, supports a deleterious effect; Has not been previously published as pathogenic or benign to our knowledge